The following is an entry in ClinVar:

NM_001267550.2(TTN):c.37753G>A (p.Val12585Met)

Gene: TTN (titin; minus strand). Cytogenetic location: 2q31.2.
Variant type: single nucleotide variant.
Coding change: c.37753G>A on transcript NM_001267550.2 (MANE Select); coding-DNA position 37753, G replaced by A.
Protein change: p.Val12585Met; replaces valine 12585 with methionine.
Molecular consequence: missense variant. On other transcripts: intron variant (5).
Genome position (GRCh38, 1-based): chr2:178,658,116, C>T on the plus strand (G>A on the coding strand, the complement: TTN is on the minus strand). VCF-style: chr2-178658116-C-T. GRCh37 (hg19) VCF-style: chr2-179522843-C-T.
Other names: c.13283-15799G>A (NM_003319.4); c.13859-15799G>A (NM_133437.4); c.13658-15799G>A (NM_133432.3); c.31741+889G>A (NM_133378.4); c.34522+889G>A (NM_001256850.1); short protein forms V12585M.
Identifiers: ClinVar variation 3067288 (VCV003067288.22), dbSNP rs757573453, ClinGen allele CA1997249.

ClinVar aggregate classification (germline): Conflicting classifications of pathogenicity. Review status: criteria provided, conflicting classifications (1 of 4 stars). 2 submissions from 2 submitters: Uncertain significance (1); Likely benign (1). Last evaluated 2026-04-13.

Conditions:
TTN-related disorder. Also called: TTN-related condition; TTN-related disease; TTN-related disorders.

Allele frequency attached by ClinVar (database versions not stated): ExAC 0.00011.

Submissions (2):

PreventionGenetics, part of Exact Sciences
Classification: Uncertain significance for TTN-related condition. Last evaluated: 2026-04-13. Review status: criteria provided, single submitter. Criteria: ACMG Guidelines, 2015. Collection method: clinical testing. Allele origin: germline.
Comment: The TTN c.37753G>A variant is predicted to result in the amino acid substitution p.Val12585Met. To our knowledge, this variant has not been reported in the literature. This variant is reported in 0.075% of alleles in individuals of African descent in gnomAD, which may be too common to be causative. Although we suspect that this variant may be benign, at this time, the clinical significance of this variant is uncertain due to the absence of conclusive functional and genetic evidence.

CeGaT Center for Human Genetics Tuebingen
Classification: Likely benign. Last evaluated: 2024-03-01. Review status: criteria provided, single submitter. Criteria: CeGaT Center For Human Genetics Tuebingen Variant Classification Criteria Version 2. Collection method: clinical testing. Allele origin: germline. Affected: yes. Observed: 1 variant allele.
Comment: TTN: BP4, BS2